The following is an entry in ClinVar:

NM_000091.5(COL4A3):c.889-1G>C

Genes: COL4A3 (collagen type IV alpha 3 chain; plus strand), MFF-DT (MFF divergent transcript; minus strand). Cytogenetic location: 2q36.3.
Variant type: single nucleotide variant.
Coding change: c.889-1G>C on transcript NM_000091.5 (MANE Select); the canonical splice acceptor site of the intron before coding-DNA position 889, G replaced by C.
Molecular consequence: splice acceptor variant.
Genome position (GRCh38, 1-based): chr2:227,256,025, G>C. VCF-style: chr2-227256025-G-C. GRCh37 (hg19) VCF-style: chr2-228120741-G-C.
Identifiers: ClinVar variation 4817276 (VCV004817276.1).

ClinVar aggregate classification (germline): Likely pathogenic (1 of 4 stars; one submission).

Conditions:
Alport syndrome. Also called: Hemorrhagic familial nephritis; Hemorrhagic hereditary nephritis; Congenital hereditary hematuria. Identifiers: Orphanet 63, MedGen C1567741, MONDO:0018965.

Submission:

Natera, Inc.
Classification: Likely pathogenic for Alport syndrome. Last evaluated: 2026-01-14. Review status: criteria provided, single submitter. Criteria: Natera Variant Classification Schema (03/2026). Collection method: clinical testing. Allele origin: germline.
Comment: The c.889-1G>C variant in COL4A3 is a canonical splice acceptor site variant predicted to affect pre-mRNA splicing, which may result in an abnormal transcript and altered protein product. This variant is expected to result in nonsense mediated decay, truncation, or a dysfunctional protein product. This variant is rare in the general population with a frequency below the threshold expected for the associated phenotype(s). Given the available evidence, this variant is classified as Likely Pathogenic.